The following is an entry in ClinVar:

ClinVar aggregate classification (germline): Uncertain significance (1 of 4 stars; one submission).

Allele frequency attached by ClinVar (database versions not stated): gnomAD 0.00001; TOPMed 0.00001; ExAC 0.00002.
gnomAD v4.1: 13 of 1,613,728 alleles (0.00081%); highest among the groups gnomAD compares: Admixed American, 0.0017%; no homozygotes.

Submission:

Labcorp Genetics (formerly Invitae), Labcorp
Classification: Uncertain significance. Last evaluated: 2024-09-06. Review status: criteria provided, single submitter. Criteria: Invitae Variant Classification Sherloc (09022015). Collection method: clinical testing. Allele origin: germline.
Comment: This sequence change replaces methionine, which is neutral and non-polar, with threonine, which is neutral and polar, at codon 492 of the ABCC2 protein (p.Met492Thr). This variant is present in population databases (rs752069285, gnomAD 0.003%). This variant has not been reported in the literature in individuals affected with ABCC2-related conditions. Invitae Evidence Modeling of protein sequence and biophysical properties (such as structural, functional, and spatial information, amino acid conservation, physicochemical variation, residue mobility, and thermodynamic stability) has been performed for this missense variant. However, the output from this modeling did not meet the statistical confidence thresholds required to predict the impact of this variant on ABCC2 protein function. In summary, the available evidence is currently insufficient to determine the role of this variant in disease. Therefore, it has been classified as a Variant of Uncertain Significance.

NM_000392.5(ABCC2):c.1475T>C (p.Met492Thr)

Gene: ABCC2 (ATP binding cassette subfamily C member 2; plus strand). Cytogenetic location: 10q24.2.
Variant type: single nucleotide variant.
Coding change: c.1475T>C on transcript NM_000392.5 (MANE Select); coding-DNA position 1475, T replaced by C.
Protein change: p.Met492Thr; replaces methionine 492 with threonine.
Molecular consequence: missense variant.
Genome position (GRCh38, 1-based): chr10:99,805,392, T>C. VCF-style: chr10-99805392-T-C. GRCh37 (hg19) VCF-style: chr10-101565149-T-C.
Other names: short protein forms M492T.
Identifiers: ClinVar variation 2974915 (VCV002974915.3), dbSNP rs752069285, ClinGen allele CA5643198.